The following is an entry in ClinVar:

NM_001048174.2(MUTYH):c.492+20G>A

Gene: MUTYH (mutY DNA glycosylase; minus strand). Cytogenetic location: 1p34.1.
Variant type: single nucleotide variant.
Coding change: c.492+20G>A on transcript NM_001048174.2 (MANE Select); 20 bases into the intron after coding-DNA position 492, G replaced by A.
Molecular consequence: intron variant.
Genome position (GRCh38, 1-based): chr1:45,332,743, C>T on the plus strand (G>A on the coding strand, the complement: MUTYH is on the minus strand). VCF-style: chr1-45332743-C-T. GRCh37 (hg19) VCF-style: chr1-45798415-C-T.
Other names: c.147+20G>A (NM_001350651.2, NM_001350650.2); c.216+20G>A (NM_001293192.2, NM_001293196.2); c.492+20G>A (NM_001048171.2, NM_001048173.2, NM_001293195.2); c.537+20G>A (NM_001293190.2); c.567+20G>A (NM_012222.3); c.576+20G>A (NM_001128425.2); c.495+20G>A (NM_001048172.2); c.525+20G>A (NM_001293191.2).
Identifiers: ClinVar variation 381785 (VCV000381785.14), dbSNP rs776504435, ClinGen allele CA058283.

ClinVar aggregate classification (germline): Likely benign. Review status: criteria provided, multiple submitters, no conflicts (2 of 4 stars). 5 submissions from 5 submitters: Likely benign (4). 1 of the submissions does not count toward it. Last evaluated 2025-12-29.

Conditions:
Hereditary cancer-predisposing syndrome. Also called: Tumor predisposition; Neoplastic Syndromes, Hereditary; Hereditary neoplastic syndrome; Hereditary Cancer Syndrome. Identifiers: Orphanet 140162, MedGen C0027672, MeSH D009386, MONDO:0015356.
Familial adenomatous polyposis 2. Also called: FAP type 2; MYH-associated polyposis; MUTYH-associated polyposis; Adenomas, multiple colorectal; ADENOMAS, MULTIPLE COLORECTAL, AUTOSOMAL RECESSIVE; COLORECTAL ADENOMATOUS POLYPOSIS, AUTOSOMAL RECESSIVE. Identifiers: Orphanet 220460, Orphanet 247798, MedGen C3272841, MONDO:0012041, OMIM 608456.

Allele frequency attached by ClinVar (database versions not stated): ExAC 0.00001; gnomAD 0.00001; TOPMed 0.00001; gnomAD exomes 0.00002.
gnomAD v4.1: 31 of 1,614,004 alleles (0.0019%); highest among the groups gnomAD compares: Admixed American, 0.0017%; no homozygotes.

Submissions (5):

Labcorp Genetics (formerly Invitae), Labcorp
Classification: Likely benign for Familial adenomatous polyposis 2. Last evaluated: 2025-12-29. Review status: criteria provided, single submitter. Criteria: Invitae Variant Classification Sherloc (09022015). Collection method: clinical testing. Allele origin: germline.

Blueprint Genetics
Classification: Likely benign. Last evaluated: 2023-12-07. Review status: criteria provided, single submitter. Criteria: ACMG Guidelines, 2015. Collection method: clinical testing. Allele origin: germline.

Color Diagnostics, LLC DBA Color Health
Classification: Likely benign for Hereditary cancer-predisposing syndrome. Last evaluated: 2017-05-10. Review status: criteria provided, single submitter. Criteria: ACMG Guidelines, 2015. Collection method: clinical testing. Allele origin: germline.

GeneDx
Classification: Likely benign. Last evaluated: 2017-05-10. Review status: criteria provided, single submitter. Criteria: GeneDx Variant Classification (06012015). Collection method: clinical testing. Allele origin: germline. Affected: yes.
Comment: This variant is considered likely benign or benign based on one or more of the following criteria: it is a conservative change, it occurs at a poorly conserved position in the protein, it is predicted to be benign by multiple in silico algorithms, and/or has population frequency not consistent with disease.

Counsyl
Classification: Likely benign for Familial adenomatous polyposis 2. Last evaluated: 2017-10-05. Review status: no assertion criteria provided. Collection method: clinical testing. Allele origin: unknown. Not counted in ClinVar's aggregate classification.